The following is an entry in ClinVar:

ClinVar aggregate classification (germline): Conflicting classifications of pathogenicity. Review status: criteria provided, conflicting classifications (1 of 4 stars). 3 submissions from 3 submitters: Uncertain significance (2); Likely benign (1). Last evaluated 2024-07-18.

Conditions:
Hereditary breast ovarian cancer syndrome. Also called: BRCA1- and BRCA2-Associated Hereditary Breast and Ovarian Cancer; Hereditary breast and/or ovarian cancer syndrome; Hereditary breast and ovarian cancer; Hereditary breast and ovarian cancer syndrome (HBOC); Breast and ovarian cancer; Hereditary breast and ovarian cancer syndrome. Identifiers: Orphanet 145, MedGen C0677776, MeSH D061325, MONDO:0003582. Disease mechanism: loss of function.
BRCA2-related cancer predisposition. Identifiers: MedGen CN377758, MONDO:0700269.
Hereditary cancer-predisposing syndrome. Also called: Neoplastic Syndromes, Hereditary; Hereditary Cancer Syndrome; Tumor predisposition; Hereditary neoplastic syndrome. Identifiers: Orphanet 140162, MedGen C0027672, MeSH D009386, MONDO:0015356.

gnomAD v4.1: 1 of 1,613,070 alleles (0.000062%); highest among the groups gnomAD compares: South Asian, 0.0011%; no homozygotes.

Submissions (3):

Ambry Genetics
Classification: Likely benign for Hereditary cancer-predisposing syndrome. Last evaluated: 2024-07-18. Review status: criteria provided, single submitter. Criteria: Ambry Variant Classification Scheme 2023. Collection method: clinical testing. Allele origin: germline.

Labcorp Genetics (formerly Invitae), Labcorp
Classification: Uncertain significance for Hereditary breast ovarian cancer syndrome. Last evaluated: 2024-07-03. Review status: criteria provided, single submitter. Criteria: Invitae Variant Classification Sherloc (09022015). Collection method: clinical testing. Allele origin: germline.
Comment: This sequence change replaces serine, which is neutral and polar, with asparagine, which is neutral and polar, at codon 239 of the BRCA2 protein (p.Ser239Asn). This variant is not present in population databases (gnomAD no frequency). This variant has not been reported in the literature in individuals affected with BRCA2-related conditions. Advanced modeling of protein sequence and biophysical properties (such as structural, functional, and spatial information, amino acid conservation, physicochemical variation, residue mobility, and thermodynamic stability) performed at Invitae indicates that this missense variant is not expected to disrupt BRCA2 protein function with a negative predictive value of 95%. In summary, the available evidence is currently insufficient to determine the role of this variant in disease. Therefore, it has been classified as a Variant of Uncertain Significance.

All of Us Research Program, National Institutes of Health
Classification: Uncertain significance for BRCA2-related cancer predisposition. Last evaluated: 2024-03-05. Review status: criteria provided, single submitter. Criteria: ACMG Guidelines, 2015. Collection method: clinical testing. Allele origin: germline. Inheritance: Autosomal dominant inheritance. Observed: 1 variant allele, 1 heterozygote.
Comment: This study involves interpretation of variants in research participants for the purpose of population health screening. Participant phenotype was not available at the time of variant classification. Additional details can be found in publication PMID: 35346344, PMCID: PMC8962531

NM_000059.4(BRCA2):c.716G>A (p.Ser239Asn)

Gene: BRCA2 (BRCA2 DNA repair associated; plus strand). Cytogenetic location: 13q13.1.
Variant type: single nucleotide variant.
Coding change: c.716G>A on transcript NM_000059.4 (MANE Select); coding-DNA position 716, G replaced by A.
Protein change: p.Ser239Asn; replaces serine 239 with asparagine.
Molecular consequence: missense variant. On other transcripts: non-coding transcript variant (1).
Genome position (GRCh38, 1-based): chr13:32,330,953, G>A. VCF-style: chr13-32330953-G-A. GRCh37 (hg19) VCF-style: chr13-32905090-G-A.
Other names: c.716G>A, p.Ser239Asn (NM_001406719.1, NM_001406720.1, NM_001406721.1 and 1 more transcripts); c.347G>A, p.Ser116Asn (NM_001406722.1); short protein forms S116N, S239N.
Identifiers: ClinVar variation 3386231 (VCV003386231.4).